The following is an entry in ClinVar:

ClinVar aggregate classification (germline): Uncertain significance. Review status: criteria provided, multiple submitters, no conflicts (2 of 4 stars). 4 submissions from 4 submitters: Uncertain significance (4). Last evaluated 2026-03-15.

Conditions:
Hereditary cancer-predisposing syndrome. Also called: Hereditary neoplastic syndrome; Neoplastic Syndromes, Hereditary; Tumor predisposition; Hereditary Cancer Syndrome. Identifiers: Orphanet 140162, MedGen C0027672, MeSH D009386, MONDO:0015356.
Hereditary nonpolyposis colorectal neoplasms. Identifiers: MedGen C0009405, MeSH D003123.
Lynch syndrome. Identifiers: Orphanet 144, MedGen C4552100, MONDO:0005835. Disease mechanism: loss of function.

Submissions (4):

Ambry Genetics
Classification: Uncertain significance for Hereditary cancer-predisposing syndrome. Last evaluated: 2026-03-15. Review status: criteria provided, single submitter. Criteria: Ambry Variant Classification Scheme 2023. Collection method: clinical testing. Allele origin: germline.
Comment: The p.D1106E variant (also known as c.3318T>A), located in coding exon 5 of the MSH6 gene, results from a T to A substitution at nucleotide position 3318. The aspartic acid at codon 1106 is replaced by glutamic acid, an amino acid with highly similar properties. This amino acid position is conserved. In addition, this alteration is predicted to be deleterious by in silico analysis. Based on the available evidence, the clinical significance of this variant remains unclear.

Women's Health and Genetics/Laboratory Corporation of America, LabCorp
Classification: Uncertain significance. Last evaluated: 2025-11-10. Review status: criteria provided, single submitter. Criteria: LabCorp Variant Classification Summary - May 2015. Collection method: clinical testing. Allele origin: germline.
Comment: Variant summary: MSH6 c.3318T>A (p.Asp1106Glu) results in a conservative amino acid change in the encoded protein sequence. Algorithms developed to predict the effect of missense changes on protein structure and function are either unavailable or do not agree on the potential impact of this missense change. The variant was absent in 251376 control chromosomes. The available data on variant occurrences in the general population are insufficient to allow any conclusion about variant significance. To our knowledge, no occurrence of c.3318T>A in individuals affected with MSH6-related conditions and no experimental evidence demonstrating its impact on protein function have been reported. ClinVar contains an entry for this variant (Variation ID: 2869771). Based on the evidence outlined above, the variant was classified as uncertain significance.

Labcorp Genetics (formerly Invitae), Labcorp
Classification: Uncertain significance for Hereditary nonpolyposis colorectal neoplasms. Last evaluated: 2023-12-06. Review status: criteria provided, single submitter. Criteria: Invitae Variant Classification Sherloc (09022015). Collection method: clinical testing. Allele origin: germline.
Comment: This sequence change replaces aspartic acid, which is acidic and polar, with glutamic acid, which is acidic and polar, at codon 1106 of the MSH6 protein (p.Asp1106Glu). This variant is not present in population databases (gnomAD no frequency). This variant has not been reported in the literature in individuals affected with MSH6-related conditions. Advanced modeling of protein sequence and biophysical properties (such as structural, functional, and spatial information, amino acid conservation, physicochemical variation, residue mobility, and thermodynamic stability) performed at Invitae indicates that this missense variant is not expected to disrupt MSH6 protein function with a negative predictive value of 95%. In summary, the available evidence is currently insufficient to determine the role of this variant in disease. Therefore, it has been classified as a Variant of Uncertain Significance.

All of Us Research Program, National Institutes of Health
Classification: Uncertain significance for Lynch syndrome. Last evaluated: 2023-05-15. Review status: criteria provided, single submitter. Criteria: ACMG Guidelines, 2015. Collection method: clinical testing. Allele origin: germline. Inheritance: Autosomal dominant inheritance. Observed: 1 variant allele, 1 heterozygote.
Comment: This missense variant replaces aspartic acid with glutamic acid at codon 1106 of the MSH6 protein. Computational prediction is inconclusive regarding the impact of this variant on protein structure and function (internally defined REVEL score threshold 0.5 < inconclusive < 0.7, PMID: 27666373). To our knowledge, functional studies have not been reported for this variant. This variant has not been reported in individuals affected with MSH6-related disorders in the literature. This variant has not been identified in the general population by the Genome Aggregation Database (gnomAD). The available evidence is insufficient to determine the role of this variant in disease conclusively. Therefore, this variant is classified as a Variant of Uncertain Significance.

This study involves interpretation of variants in research participants for the purpose of population health screening. Participant phenotype was not available at the time of variant classification. Additional details can be found in publication PMID: 35346344, PMCID: PMC8962531

NM_000179.3(MSH6):c.3318T>A (p.Asp1106Glu)

Gene: MSH6 (mutS homolog 6; plus strand). Cytogenetic location: 2p16.3.
Variant type: single nucleotide variant.
Coding change: c.3318T>A on transcript NM_000179.3 (MANE Select); coding-DNA position 3318, T replaced by A.
Protein change: p.Asp1106Glu; replaces aspartic acid 1106 with glutamic acid.
Molecular consequence: missense variant. On other transcripts: non-coding transcript variant (5), intron variant (1).
Genome position (GRCh38, 1-based): chr2:47,803,565, T>A. VCF-style: chr2-47803565-T-A. GRCh37 (hg19) VCF-style: chr2-48030704-T-A.
Other names: c.1263T>A, p.Asp421Glu (NM_001407362.1); c.3173-29T>A (NM_001406798.1); c.3021T>A, p.Asp1007Glu (NM_001406822.1, NM_001406824.1, NM_001406825.1 and 10 more transcripts); c.2412T>A, p.Asp804Glu (NM_001406823.1, NM_001406829.1, NM_001281493.2 and 6 more transcripts); c.3150T>A, p.Asp1050Glu (NM_001406826.1); c.99T>A, p.Asp33Glu (NM_001406831.1); c.165T>A, p.Asp55Glu (NM_001406832.1); c.2928T>A, p.Asp976Glu (NM_001281492.2); and 7 more; short protein forms D1007E, D1050E, D1106E, D421E, D818E, D1108E, D1080E, D33E.
Identifiers: ClinVar variation 2869771 (VCV002869771.6), dbSNP rs2104479876, ClinGen allele CA346758655.